The following is an entry in ClinVar:

ClinVar aggregate classification (germline): Uncertain significance (1 of 4 stars; one submission).

Submission:

Ambry Genetics
Classification: Uncertain significance. Last evaluated: 2024-02-01. Review status: criteria provided, single submitter. Criteria: Ambry Variant Classification Scheme 2023. Collection method: clinical testing. Allele origin: germline.
Comment: The p.P1505R variant (also known as c.4514C>G), located in coding exon 16 of the POLQ gene, results from a C to G substitution at nucleotide position 4514. The proline at codon 1505 is replaced by arginine, an amino acid with dissimilar properties. This amino acid position is conserved. In addition, this alteration is predicted to be tolerated by in silico analysis. Since supporting evidence is limited at this time, the clinical significance of this alteration remains unclear.

NM_199420.4(POLQ):c.4514C>G (p.Pro1505Arg)

Gene: POLQ (DNA polymerase theta; minus strand). Cytogenetic location: 3q13.33.
Variant type: single nucleotide variant.
Coding change: c.4514C>G on transcript NM_199420.4 (MANE Select); coding-DNA position 4514, C replaced by G.
Protein change: p.Pro1505Arg; replaces proline 1505 with arginine.
Molecular consequence: missense variant.
Genome position (GRCh38, 1-based): chr3:121,488,417, G>C on the plus strand (C>G on the coding strand, the complement: POLQ is on the minus strand). VCF-style: chr3-121488417-G-C. GRCh37 (hg19) VCF-style: chr3-121207264-G-C.
Other names: short protein forms P1505R.
Identifiers: ClinVar variation 1741151 (VCV001741151.2), dbSNP rs2546785834, ClinGen allele CA354094877.